The following is an entry in ClinVar:

ClinVar aggregate classification (germline): Uncertain significance (1 of 4 stars; one submission).

Submission:

Labcorp Genetics (formerly Invitae), Labcorp
Classification: Uncertain significance. Last evaluated: 2025-07-03. Review status: criteria provided, single submitter. Criteria: Invitae Variant Classification Sherloc (09022015). Collection method: clinical testing. Allele origin: germline.
Comment: This sequence change replaces glycine, which is neutral and non-polar, with aspartic acid, which is acidic and polar, at codon 401 of the SMAD2 protein (p.Gly401Asp). This variant is not present in population databases (gnomAD no frequency). This variant has not been reported in the literature in individuals affected with SMAD2-related conditions. Invitae Evidence Modeling of protein sequence and biophysical properties (such as structural, functional, and spatial information, amino acid conservation, physicochemical variation, residue mobility, and thermodynamic stability) indicates that this missense variant is expected to disrupt SMAD2 protein function with a positive predictive value of 80%. In summary, the available evidence is currently insufficient to determine the role of this variant in disease. Therefore, it has been classified as a Variant of Uncertain Significance.

NM_005901.6(SMAD2):c.1202G>A (p.Gly401Asp)

Gene: SMAD2 (SMAD family member 2; minus strand). Cytogenetic location: 18q21.1.
Variant type: single nucleotide variant.
Coding change: c.1202G>A on transcript NM_005901.6 (MANE Select); coding-DNA position 1202, G replaced by A.
Protein change: p.Gly401Asp; replaces glycine 401 with aspartic acid.
Molecular consequence: missense variant.
Genome position (GRCh38, 1-based): chr18:47,845,418, C>T on the plus strand (G>A on the coding strand, the complement: SMAD2 is on the minus strand). VCF-style: chr18-47845418-C-T. GRCh37 (hg19) VCF-style: chr18-45371789-C-T.
Other names: c.1202G>A, p.Gly401Asp (NM_001003652.4); c.1112G>A, p.Gly371Asp (NM_001135937.3); short protein forms G371D, G401D.
Identifiers: ClinVar variation 4740422 (VCV004740422.1).
Genomic context (GRCh38, chr18:47,845,418, plus strand): 5'-CCTTTCACAAAACTCATTCTTATGGTGCACATTCTAGTTAGCTGATAGACGGCTTCAAAA[C>T]CCTGATTAACAGACTGAGCCAGAAGAGCAGCAAATTCCTGGTTGTTGAAGATCTTCAGAT-3'
Protein context (NP_005892.1, residues 391-411): AALLAQSVNQ[Gly401Asp]FEAVYQLTRM